The following is an entry in ClinVar:

NM_001367721.1(CASK):c.424G>A (p.Val142Met)

Gene: CASK (calcium/calmodulin dependent serine protein kinase; minus strand). Cytogenetic location: Xp11.4.
Variant type: single nucleotide variant.
Coding change: c.424G>A on transcript NM_001367721.1 (MANE Select); coding-DNA position 424, G replaced by A.
Protein change: p.Val142Met; replaces valine 142 with methionine.
Molecular consequence: missense variant.
Genome position (GRCh38, 1-based): chrX:41,739,389, C>T on the plus strand (G>A on the coding strand, the complement: CASK is on the minus strand). VCF-style: chrX-41739389-C-T. GRCh37 (hg19) VCF-style: chrX-41598642-C-T.
Other names: c.424G>A, p.Val142Met (NM_001126054.3, NM_001126055.3, NM_001410745.1 and 1 more transcripts); short protein forms V142M.
Identifiers: ClinVar variation 2834195 (VCV002834195.3), dbSNP rs2068557879, ClinGen allele CA413002786.

ClinVar aggregate classification (germline): Uncertain significance (1 of 4 stars; one submission).

Conditions:
Intellectual disability, CASK-related, X-linked. Identifiers: MedGen CN043158.

Submission:

Labcorp Genetics (formerly Invitae), Labcorp
Classification: Uncertain significance for Intellectual disability, CASK-related, X-linked. Last evaluated: 2023-02-03. Review status: criteria provided, single submitter. Criteria: Invitae Variant Classification Sherloc (09022015). Collection method: clinical testing. Allele origin: germline.
Comment: This sequence change replaces valine, which is neutral and non-polar, with methionine, which is neutral and non-polar, at codon 142 of the CASK protein (p.Val142Met). This variant is not present in population databases (gnomAD no frequency). This variant has not been reported in the literature in individuals affected with CASK-related conditions. Advanced modeling of protein sequence and biophysical properties (such as structural, functional, and spatial information, amino acid conservation, physicochemical variation, residue mobility, and thermodynamic stability) has been performed at Invitae for this missense variant, however the output from this modeling did not meet the statistical confidence thresholds required to predict the impact of this variant on CASK protein function. In summary, the available evidence is currently insufficient to determine the role of this variant in disease. Therefore, it has been classified as a Variant of Uncertain Significance.